The following is an entry in ClinVar:

ClinVar aggregate classification (germline): Uncertain significance (1 of 4 stars; one submission).

gnomAD v4.1: 17 of 1,603,708 alleles (0.0011%); highest among the groups gnomAD compares: Non-Finnish European, 0.0014%; no homozygotes.

Submission:

Women's Health and Genetics/Laboratory Corporation of America, LabCorp
Classification: Uncertain significance. Last evaluated: 2024-09-30. Review status: criteria provided, single submitter. Criteria: LabCorp Variant Classification Summary - May 2015. Collection method: clinical testing. Allele origin: germline.
Comment: Variant summary: CRLF1 c.221T>C (p.Leu74Pro) results in a non-conservative amino acid change in the encoded protein sequence. Five of five in-silico tools predict a damaging effect of the variant on protein function. The frequency data for this variant in gnomAD is considered unreliable, as metrics indicate poor data quality at this position. c.221T>C has been reported in the literature in a compound heterozygous individual affected with Cold-Induced Sweating Syndrome (Piras_2014). These data do not allow any conclusion about variant significance. To our knowledge, no experimental evidence demonstrating an impact on protein function has been reported. The following publication has been ascertained in the context of this evaluation (PMID: 24488861). No submitters have cited clinical-significance assessments for this variant to ClinVar. Based on the evidence outlined above, the variant was classified as uncertain significance.

Literature cited by the submitters: PubMed 24488861.

NM_004750.5(CRLF1):c.221T>C (p.Leu74Pro)

Gene: CRLF1 (cytokine receptor like factor 1; minus strand). Cytogenetic location: 19p13.11.
Variant type: single nucleotide variant.
Coding change: c.221T>C on transcript NM_004750.5 (MANE Select); coding-DNA position 221, T replaced by C.
Protein change: p.Leu74Pro; replaces leucine 74 with proline.
Molecular consequence: missense variant.
Genome position (GRCh38, 1-based): chr19:18,599,741, A>G on the plus strand (T>C on the coding strand, the complement: CRLF1 is on the minus strand). VCF-style: chr19-18599741-A-G. GRCh37 (hg19) VCF-style: chr19-18710551-A-G.
Other names: short protein forms L74P.
Identifiers: ClinVar variation 3375191 (VCV003375191.1).